The following is an entry in ClinVar:

NM_005076.5(CNTN2):c.1415C>A (p.Thr472Asn)

Gene: CNTN2 (contactin 2; plus strand). Cytogenetic location: 1q32.1.
Variant type: single nucleotide variant.
Coding change: c.1415C>A on transcript NM_005076.5 (MANE Select); coding-DNA position 1415, C replaced by A.
Protein change: p.Thr472Asn; replaces threonine 472 with asparagine.
Molecular consequence: missense variant. On other transcripts: non-coding transcript variant (1).
Genome position (GRCh38, 1-based): chr1:205,064,646, C>A. VCF-style: chr1-205064646-C-A. GRCh37 (hg19) VCF-style: chr1-205033774-C-A.
Other names: c.1415C>A, p.Thr472Asn (NM_001346083.2); short protein forms T472N.
Identifiers: ClinVar variation 1007232 (VCV001007232.8), dbSNP rs201092596, ClinGen allele CA344375036.

ClinVar aggregate classification (germline): Uncertain significance (1 of 4 stars; one submission).

Conditions:
Epilepsy, familial adult myoclonic, 5 (EPEO5). Also called: CORTICAL MYOCLONIC TREMOR WITH EPILEPSY, FAMILIAL, 5. Identifiers: Orphanet 86814, MedGen C3809374, MONDO:0014167, OMIM 615400.

Submission:

Labcorp Genetics (formerly Invitae), Labcorp
Classification: Uncertain significance for Epilepsy, familial adult myoclonic, 5. Last evaluated: 2020-11-11. Review status: criteria provided, single submitter. Criteria: Invitae Variant Classification Sherloc (09022015). Collection method: clinical testing. Allele origin: germline.
Comment: This sequence change replaces threonine with asparagine at codon 472 of the CNTN2 protein (p.Thr472Asn). The threonine residue is highly conserved and there is a small physicochemical difference between threonine and asparagine. This variant is not present in population databases (ExAC no frequency). This variant has not been reported in the literature in individuals with CNTN2-related conditions. Advanced modeling of protein sequence and biophysical properties (such as structural, functional, and spatial information, amino acid conservation, physicochemical variation, residue mobility, and thermodynamic stability) performed at Invitae indicates that this missense variant is not expected to disrupt CNTN2 protein function. In summary, the available evidence is currently insufficient to determine the role of this variant in disease. Therefore, it has been classified as a Variant of Uncertain Significance.